The following is an entry in ClinVar:

NM_004820.5(CYP7B1):c.423_424delinsAC (p.Cys141_Tyr142delinsTer)

Gene: CYP7B1 (cytochrome P450 family 7 subfamily B member 1; minus strand). Cytogenetic location: 8q12.3.
Variant type: Indel.
Coding change: c.423_424delinsAC on transcript NM_004820.5 (MANE Select); coding-DNA positions 423 to 424, CT replaced by AC.
Protein change: p.Cys141_Tyr142delinsTer.
Molecular consequence: nonsense.
Genome position (GRCh38, 1-based): chr8:64,616,117-64,616,118, AG replaced by GT on the plus strand (CT replaced by AC on the coding strand, the reverse complement: CYP7B1 is on the minus strand). VCF-style: chr8-64616117-AG-GT. GRCh37 (hg19) VCF-style: chr8-65528674-AG-GT.
Other names: c.423_424delinsAC, p.Cys141_Tyr142delinsTer (NM_001324112.2).
Identifiers: ClinVar variation 2858223 (VCV002858223.3), dbSNP rs2487191870, ClinGen allele CA2739268836.

ClinVar aggregate classification (germline): Pathogenic (1 of 4 stars; one submission).

Conditions:
Spastic paraplegia. Identifiers: MedGen C0037772, HP:0001258.

Submission:

Labcorp Genetics (formerly Invitae), Labcorp
Classification: Pathogenic for Spastic paraplegia. Last evaluated: 2023-04-22. Review status: criteria provided, single submitter. Criteria: Invitae Variant Classification Sherloc (09022015). Collection method: clinical testing. Allele origin: germline.
Comment: Information on the frequency of this variant in the gnomAD database is not available, as this variant may be reported differently in the database. For these reasons, this variant has been classified as Pathogenic. This variant has not been reported in the literature in individuals affected with CYP7B1-related conditions. This sequence change creates a premature translational stop signal (p.Cys141*) in the CYP7B1 gene. It is expected to result in an absent or disrupted protein product. Loss-of-function variants in CYP7B1 are known to be pathogenic (PMID: 9802883, 19363635, 19439420, 21541746, 21567895, 28039895).

Literature cited by the submitters: PubMed 9802883; PubMed 19363635; PubMed 19439420; PubMed 21541746; PubMed 21567895; PubMed 28039895.